The following is an entry in ClinVar:

NM_000138.5(FBN1):c.3026C>G (p.Pro1009Arg)

Gene: FBN1 (fibrillin 1; minus strand). Cytogenetic location: 15q21.1.
Variant type: single nucleotide variant.
Coding change: c.3026C>G on transcript NM_000138.5 (MANE Select); coding-DNA position 3026, C replaced by G.
Protein change: p.Pro1009Arg; replaces proline 1009 with arginine.
Molecular consequence: missense variant.
Genome position (GRCh38, 1-based): chr15:48,489,907, G>C on the plus strand (C>G on the coding strand, the complement: FBN1 is on the minus strand). VCF-style: chr15-48489907-G-C. GRCh37 (hg19) VCF-style: chr15-48782104-G-C.
Other names: short protein forms P1009R.
Identifiers: ClinVar variation 36061 (VCV000036061.68), dbSNP rs148076256, ClinGen allele CA013673.

ClinVar aggregate classification (germline): Conflicting classifications of pathogenicity. Review status: criteria provided, conflicting classifications (1 of 4 stars). 9 submissions from 9 submitters: Pathogenic (1); Likely pathogenic (1); Uncertain significance (6); Likely benign (1). Last evaluated 2026-10-14.

Conditions:
Marfan syndrome (MFS). Also called: MARFAN SYNDROME, TYPE I; Marfan syndrome type 1; Marfan syndrome, classic; FBN1-Related Marfan Syndrome; Marfan's syndrome. Identifiers: Orphanet 284963, Orphanet 558, MedGen C0024796, MONDO:0007947, OMIM 154700.
Familial thoracic aortic aneurysm and aortic dissection (TAAD). Also called: Thoracic aortic aneurysms and dissections. Identifiers: Orphanet 91387, MedGen C4707243, MONDO:0019625.
Ectopia lentis 1, isolated, autosomal dominant (ECTOL1). Identifiers: Orphanet 1885, MedGen C3541518, MONDO:0007514, OMIM 129600.
Weill-Marchesani syndrome 2, dominant. Also called: Weill-Marchesani Syndrome, Autosomal Dominant; FBN1-Related Weill-Marchesani Syndrome. Identifiers: Orphanet 2084, MedGen C1869115, MONDO:0012013, OMIM 608328.
MASS syndrome (OCTD). Also called: OVERLAP CONNECTIVE TISSUE DISEASE; MASS PHENOTYPE. Identifiers: MedGen C1858556, MONDO:0011431, OMIM 604308.
Acromicric dysplasia (ACMICD). Also called: Acromicric skeletal dysplasia. Identifiers: Orphanet 969, MedGen C0265287, MONDO:0007055, OMIM 102370.
Stiff skin syndrome (SSKS). Identifiers: Orphanet 2833, MedGen C1861456, MONDO:0008492, OMIM 184900.
Progeroid and marfanoid aspect-lipodystrophy syndrome. Also called: MARFANOID-PROGEROID SYNDROME; MARFAN-PROGEROID-LIPODYSTROPHY SYNDROME; Marfan lipodystrophy syndrome; MARFANOID-PROGEROID-LIPODYSTROPHY SYNDROME. Identifiers: Orphanet 300382, MedGen C4310796, MONDO:0014831, OMIM 616914.
Geleophysic dysplasia 2 (GPHYSD2). Identifiers: Orphanet 2623, MedGen C3280054, MONDO:0013612, OMIM 614185.

Allele frequency attached by ClinVar (database versions not stated): TOPMed 0.00006; ExAC 0.00007; ESP Exome Variant Server 0.00023; gnomAD 0.00003 and 0.00002; gnomAD exomes 0.00007.
gnomAD v4.1: 136 of 1,613,960 alleles (0.0084%); highest among the groups gnomAD compares: Non-Finnish European, 0.01%; no homozygotes.

Submissions (9):

GeneDx
Classification: Uncertain significance. Last evaluated: 2026-10-14. Review status: criteria provided, single submitter. Criteria: GeneDx Variant Classification Process June 2021. Collection method: clinical testing. Allele origin: germline.
Comment: Identified in a patient with Marfan syndrome, but also in a patient with dilated cardiomyopathy and no features indicative of Marfan syndrome (PMID: 27112580, 28087566); In silico analysis supports that this missense variant has a deleterious effect on protein structure/function; Does not affect a cysteine or calcium-binding residue within an EGF-like domain or a TGF-binding protein domain of the FBN1 gene; cysteine substitutions in the EGF-like domains represent the majority of pathogenic missense changes associated with FBN1-related disorders (PMID: 12938084); This variant is associated with the following publications: (PMID: 27906200, 28087566, 27112580, 12938084, 31506931)

Labcorp Genetics (formerly Invitae), Labcorp
Classification: Pathogenic for Marfan syndrome; Familial thoracic aortic aneurysm and aortic dissection. Last evaluated: 2025-12-19. Review status: criteria provided, single submitter. Criteria: Invitae Variant Classification Sherloc (09022015). Collection method: clinical testing. Allele origin: germline.
Comment: This sequence change replaces proline, which is neutral and non-polar, with arginine, which is basic and polar, at codon 1009 of the FBN1 protein (p.Pro1009Arg). This variant is present in population databases (rs148076256, gnomAD 0.01%), and has an allele count higher than expected for a pathogenic variant. This missense change has been observed in individuals with FBN1-related conditions (PMID: 27112580, 28087566; internal data). ClinVar contains an entry for this variant (Variation ID: 36061). Invitae Evidence Modeling of protein sequence and biophysical properties (such as structural, functional, and spatial information, amino acid conservation, physicochemical variation, residue mobility, and thermodynamic stability) indicates that this missense variant is expected to disrupt FBN1 protein function with a positive predictive value of 95%. For these reasons, this variant has been classified as Pathogenic.

Color Diagnostics, LLC DBA Color Health
Classification: Uncertain significance for Familial thoracic aortic aneurysm and aortic dissection. Last evaluated: 2024-11-13. Review status: criteria provided, single submitter. Criteria: ACMG Guidelines, 2015. Collection method: clinical testing. Allele origin: germline.
Comment: This missense variant replaces proline with arginine at codon 1009 of the FBN1 protein. Computational prediction suggests that this variant may have deleterious impact on protein structure and function. To our knowledge, functional studies have not been reported for this variant. This variant has been reported in two individuals affected with Marfan syndrome or related conditions (PMID: 27112580, ClinVar SCV000627879.3). It has also been reported in an individual affected with hypermobile Ehlers Danlos syndrome PMID: 38534782) and in an individual affected with dilated cardiomyopathy with no indication of Marfan syndrome (PMID: 28087566). This variant has also been identified in 17/251444 chromosomes in the general population by the Genome Aggregation Database (gnomAD). The available evidence is insufficient to determine the role of this variant in disease conclusively. Therefore, this variant is classified as a Variant of Uncertain Significance.

All of Us Research Program, National Institutes of Health
Classification: Uncertain significance for Marfan syndrome. Last evaluated: 2024-08-29. Review status: criteria provided, single submitter. Criteria: ACMG Guidelines, 2015. Collection method: clinical testing. Allele origin: germline. Inheritance: Autosomal dominant inheritance. Observed: 14 variant alleles, 14 heterozygotes.
Comment: This missense variant replaces proline with arginine at codon 1009 of the FBN1 protein. Computational prediction suggests that this variant may have deleterious impact on protein structure and function (internally defined REVEL score threshold >= 0.7, PMID: 27666373). To our knowledge, functional studies have not been reported for this variant. This variant has been reported in two individuals affected with Marfan syndrome or related conditions (PMID: 27112580, ClinVar SCV000627879.3), as well as in an individual affected with dilated cardiomyopathy with no indication of Marfan syndrome (PMID: 28087566). This variant has also been identified in 17/251444 chromosomes in the general population by the Genome Aggregation Database (gnomAD). The available evidence is insufficient to determine the role of this variant in disease conclusively. Therefore, this variant is classified as a Variant of Uncertain Significance.

This study involves interpretation of variants in research participants for the purpose of population health screening. Participant phenotype was not available at the time of variant classification. Additional details can be found in publication PMID: 35346344, PMCID: PMC8962531

Ambry Genetics
Classification: Uncertain significance for Familial thoracic aortic aneurysm and aortic dissection. Last evaluated: 2024-08-02. Review status: criteria provided, single submitter. Criteria: Ambry Variant Classification Scheme 2023. Collection method: clinical testing. Allele origin: germline.
Comment: The p.P1009R variant (also known as c.3026C>G), located in coding exon 24 of the FBN1 gene, results from a C to G substitution at nucleotide position 3026. The proline at codon 1009 is replaced by arginine, an amino acid with dissimilar properties. This variant has been detected in a Marfan syndrome cohort, but clinical details were limited (Somers AE et al. Am. J. Med. Genet. A, 2016 07;170:1786-90). This amino acid position is highly conserved in available vertebrate species. In addition, this alteration is predicted to be deleterious by in silico analysis. Based on data from gnomAD, the frequency for this variant is above the maximum credible frequency for a disease-causing variant in this gene based on internally established thresholds (Karczewski et al. Nature. 2020 May;581(7809):434-443; Whiffin et al. Genet Med. 2017 10;19:1151-1158). Since supporting evidence is limited at this time, the clinical significance of this alteration remains unclear.

Fulgent Genetics
Classification: Likely pathogenic for Acromicric dysplasia; Ectopia lentis 1, isolated, autosomal dominant; Marfan syndrome; Stiff skin syndrome; MASS syndrome; Weill-Marchesani syndrome 2, dominant; Geleophysic dysplasia 2; Progeroid and marfanoid aspect-lipodystrophy syndrome. Last evaluated: 2024-02-13. Review status: criteria provided, single submitter. Criteria: ACMG Guidelines, 2015. Collection method: clinical testing. Allele origin: germline.

Blueprint Genetics
Classification: Likely benign. Last evaluated: 2022-07-18. Review status: criteria provided, single submitter. Criteria: ACMG Guidelines, 2015. Collection method: clinical testing. Allele origin: germline.

Women's Health and Genetics/Laboratory Corporation of America, LabCorp
Classification: Uncertain significance. Last evaluated: 2017-05-02. Review status: criteria provided, single submitter. Criteria: LabCorp Variant Classification Summary - May 2015. Collection method: clinical testing. Allele origin: germline.
Comment: Variant summary: The FBN1 c.3026C>G (p.Pro1009Arg) variant involves the alteration of a conserved nucleotide, resulting in a missense substitution that lies within a TB domain of the protein (InterPro). 4/4 in silico tools predict a damaging outcome for this variant (SNPsandGO not captured due to low reliability index). This variant was found in the large control database ExAC at a frequency of 0.0000742 (9/121338 control chromosomes), which does not exceed the estimated maximal expected allele frequency of a pathogenic FBN1 variant (0.0001125). The variant was detected in a Marfan syndrome patient who met the revised Ghent criteria (Somers_Am J Med Genet A_2016). However, co-occurrence and cosegregation data were not provided. Functional studies have not been performed on the variant to date. Because of the absence of sufficient clinical information and the lack of functional studies, the variant is classified as a variant of uncertain significance (VUS) until additional information becomes available.

Center for Genomics, Ann and Robert H. Lurie Children's Hospital of Chicago
Classification: Uncertain significance for Geleophysic dysplasia 2; Weill-Marchesani syndrome 2, dominant; Ectopia lentis 1, isolated, autosomal dominant; MASS syndrome; Progeroid and marfanoid aspect-lipodystrophy syndrome; Acromicric dysplasia; Marfan syndrome; Stiff skin syndrome. Review status: criteria provided, single submitter. Criteria: ACMG Guidelines, 2015. Collection method: clinical testing. Allele origin: germline.
Comment: FBN1 NM_000138.4 exon 25 p.Pro1009Arg (c.3026C>G): This variant has been reported in the literature in one individual meeting Ghent criteria for Marfan syndrome (Somers 2016 PMID:27112580) and in one individual with dilated cardiomyopathy but no reported features of Marfan syndrome (Seidelmann 2017 PMID: 28087566). This variant is present in approximately 0.009% (10/111672) of European alleles in the Genome Aggregation Database and is also present in ClinVar (Variation ID:36061). Evolutionary conservation and computational predictive tools suggest that this variant may impact the protein. In summary, data on this variant is insufficient for disease classification. Therefore, the clinical significance of this variant is uncertain.

Literature cited by the submitters: PubMed 27112580 (cited by 5 submitters); PubMed 28087566 (cited by 3 submitters); PubMed 27906200 (cited by Ambry Genetics).